The following is an entry in ClinVar:

NM_019098.5(CNGB3):c.839dup (p.Gly281fs)

Gene: CNGB3 (cyclic nucleotide gated channel subunit beta 3; minus strand). Cytogenetic location: 8q21.3.
Variant type: Duplication.
Coding change: c.839dup on transcript NM_019098.5 (MANE Select); coding-DNA position 839, one base duplicated (G; older notation c.839dupG).
Protein change: p.Gly281fs; shifts the reading frame from glycine 281.
Molecular consequence: frameshift variant.
Genome position (GRCh38, 1-based): chr8:86,666,938, C duplicated on the plus strand (G on the coding strand, the reverse complement: CNGB3 is on the minus strand); the first of 2 consecutive C bases (chr8:86,666,938-86,666,939); duplicating either gives the same sequence. VCF-style (leftmost placement, unchanged base first): chr8-86666937-T-TC. GRCh37 (hg19) VCF-style: chr8-87679165-T-TC.
Other names: c.839dupG (NM_019098.4); short protein forms G281fs.
Identifiers: ClinVar variation 1408511 (VCV001408511.9), dbSNP rs1281085210, ClinGen allele CA583366205.

ClinVar aggregate classification (germline): Pathogenic/Likely pathogenic. Review status: criteria provided, multiple submitters, no conflicts (2 of 4 stars). 4 submissions from 4 submitters: Pathogenic (1); Likely pathogenic (3). Last evaluated 2025-10-30.

Conditions:
CNGB3-related disorder. Also called: CNGB3-related disorders; CNGB3-related condition. Identifiers: MedGen CN239340.
Achromatopsia. Also called: Rod monochromatism. Identifiers: Orphanet 49382, MedGen C0152200, MONDO:0018852, HP:0011516.
Achromatopsia 3 (ACHM3). Also called: ACHROMATOPSIA WITH MYOPIA; TOTAL COLORBLINDNESS WITH MYOPIA; ROD MONOCHROMACY 1; ROD MONOCHROMATISM 1; PINGELAPESE BLINDNESS. Identifiers: Orphanet 49382, MedGen C1849792, MONDO:0009875, OMIM 262300.

Submissions (4):

Natera, Inc.
Classification: Likely pathogenic for Achromatopsia. Last evaluated: 2025-10-30. Review status: criteria provided, single submitter. Criteria: Natera Variant Classification Schema (03/2026). Collection method: clinical testing. Allele origin: germline.
Comment: The c.839dupG variant in CNGB3 is a frameshift variant predicted to shift the reading frame beginning at codon 281 and leads to a stop codon 9 codons downstream. This variant is expected to result in nonsense mediated decay, truncation, or a dysfunctional protein product. This variant is rare in the general population with a frequency below the threshold expected for the associated phenotype(s). Given the available evidence, this variant is classified as Likely Pathogenic.

Fulgent Genetics
Classification: Likely pathogenic for Achromatopsia 3. Last evaluated: 2024-05-18. Review status: criteria provided, single submitter. Criteria: ACMG Guidelines, 2015. Collection method: clinical testing. Allele origin: germline.

Labcorp Genetics (formerly Invitae), Labcorp
Classification: Pathogenic. Last evaluated: 2022-11-28. Review status: criteria provided, single submitter. Criteria: Invitae Variant Classification Sherloc (09022015). Collection method: clinical testing. Allele origin: germline.
Comment: This variant is present in population databases (no rsID available, gnomAD 0.006%). This sequence change creates a premature translational stop signal (p.Gly281Argfs*9) in the CNGB3 gene. It is expected to result in an absent or disrupted protein product. Loss-of-function variants in CNGB3 are known to be pathogenic (PMID: 28795510). This variant has not been reported in the literature in individuals affected with CNGB3-related conditions. ClinVar contains an entry for this variant (Variation ID: 1408511). Algorithms developed to predict the effect of sequence changes on RNA splicing suggest that this variant may disrupt the consensus splice site. For these reasons, this variant has been classified as Pathogenic.

Blueprint Genetics
Classification: Likely pathogenic for CNGB3-related disorders. Last evaluated: 2019-11-16. Review status: criteria provided, single submitter. Criteria: ACMG Guidelines, 2015. Collection method: clinical testing. Allele origin: germline. Affected: yes. Observed: 1 variant allele.

Literature cited by the submitters: PubMed 28795510 (cited by Labcorp Genetics (formerly Invitae), Labcorp).